The following is an entry in ClinVar:

ClinVar aggregate classification (germline): Likely pathogenic. Review status: criteria provided, single submitter (1 of 4 stars). 2 submissions from 2 submitters: Likely pathogenic (1). 1 of the submissions does not count toward it. Last evaluated 2019-11-21.

Conditions:
CREBBP-related disorder. Also called: CREBBP-related disorders; CREBBP-related condition.

Submissions (2):

Blueprint Genetics
Classification: Likely pathogenic for CREBBP-related disorders. Last evaluated: 2019-11-21. Review status: criteria provided, single submitter. Criteria: ACMG Guidelines, 2015. Collection method: clinical testing. Allele origin: germline. Affected: yes. Observed: 1 variant allele.

PreventionGenetics, part of Exact Sciences
Classification: Pathogenic for CREBBP-related condition. Last evaluated: 2024-07-17. Review status: no assertion criteria provided. Collection method: clinical testing. Allele origin: germline. Not counted in ClinVar's aggregate classification.
Comment: The CREBBP c.5948dupC variant is predicted to result in a frameshift and premature protein termination (p.Gly1984Argfs*357). To our knowledge, this variant has not been reported in the literature or in a large population database, indicating this variant is rare. Frameshift variants in CREBBP are expected to be pathogenic. This variant is interpreted as pathogenic.

NM_004380.3(CREBBP):c.5948dup (p.Gly1984fs)

Gene: CREBBP (CREB binding lysine acetyltransferase; minus strand). Cytogenetic location: 16p13.3.
Variant type: Duplication.
Coding change: c.5948dup on transcript NM_004380.3 (MANE Select); coding-DNA position 5948, one base duplicated (C; older notation c.5948dupC).
Protein change: p.Gly1984fs; shifts the reading frame from glycine 1984.
Molecular consequence: frameshift variant.
Genome position (GRCh38, 1-based): chr16:3,729,099, G duplicated on the plus strand (C on the coding strand, the reverse complement: CREBBP is on the minus strand); the first of 5 consecutive G bases (chr16:3,729,099-3,729,103); duplicating any one gives the same sequence. VCF-style (leftmost placement, unchanged base first): chr16-3729098-T-TG. GRCh37 (hg19) VCF-style: chr16-3779099-T-TG.
Other names: c.5834dup, p.Gly1946fs (NM_001079846.1); short protein forms G1946fs, G1984fs.
Identifiers: ClinVar variation 3345713 (VCV003345713.2).
Genomic context (GRCh38, chr16:3,729,098, plus strand): 5'-GGGCACATTCAGGCTCACGGGGGCCATCTGGCTCCCCGGGGTCCCCATGCCCGTGCGTCC[T>TG]GGGGGCATGCTGTTGTTGATGTTCACCCGGTACAGGTGCTGCTGCTGCTGGGCCTCACGC-3'